The following is an entry in ClinVar:

NM_001356.5(DDX3X):c.865-1G>A

Gene: DDX3X (DEAD-box helicase 3 X-linked; plus strand). Cytogenetic location: Xp11.4.
Variant type: single nucleotide variant.
Coding change: c.865-1G>A on transcript NM_001356.5 (MANE Select); the canonical splice acceptor site of the intron before coding-DNA position 865, G replaced by A.
Molecular consequence: splice acceptor variant.
Genome position (GRCh38, 1-based): chrX:41,344,238, G>A. VCF-style: chrX-41344238-G-A. GRCh37 (hg19) VCF-style: chrX-41203491-G-A.
Other names: c.865-1G>A (NM_001193416.3); c.817-1G>A (NM_001193417.3); c.307-1G>A (NM_001363819.1).
Identifiers: ClinVar variation 4293269 (VCV004293269.2).

ClinVar aggregate classification (germline): Pathogenic. Review status: criteria provided, multiple submitters, no conflicts (2 of 4 stars). 2 submissions from 2 submitters: Pathogenic (2). Last evaluated 2025-11-07.

Conditions:
Intellectual disability, X-linked 102 (MRXSSB). Also called: Intellectual developmental disorder, X-linked syndromic, Snijders Blok type. Identifiers: Orphanet 457260, MedGen C5393299, MONDO:0010497, OMIM 300958.

Submissions (2):

Clinical Genetics Laboratory, University Hospital Schleswig-Holstein
Classification: Pathogenic for Intellectual disability, X-linked 102. Last evaluated: 2025-11-07. Review status: criteria provided, single submitter. Criteria: ACMG Guidelines, 2015. Collection method: clinical testing. Allele origin: de novo. Affected: yes. Observed: 1 heterozygote.
Comment: ACMG criteria applied: PM2, PVS1, PS1_Supporting, PS2_Moderate

3billion
Classification: Pathogenic for Intellectual disability, X-linked 102. Last evaluated: 2025-04-10. Review status: criteria provided, single submitter. Criteria: ACMG Guidelines, 2015. Collection method: clinical testing. Allele origin: germline. Affected: yes.
Comment: The variant is not observed in the gnomAD v4.1.0 dataset. Predicted Consequence/Location: Canonical splice site: predicted to alter splicing and result in a loss or disruption of normal protein function. Multiple pathogenic loss-of-function variants are reported downstream of the variant. The variant has been previously reported as assumed (i.e. paternity and maternity not confirmed) de novo in at least one similarly affected unrelated individual (PMID: 30349862). The variant has been reported to be associated with DDX3X-related disorder (PMID: 30349862). Therefore, this variant is classified as Pathogenic according to the recommendation of ACMG/AMP guideline.

Literature cited by the submitters: PubMed 30349862 (cited by 3billion).